The following is an entry in ClinVar:

NM_001267550.2(TTN):c.79717G>A (p.Glu26573Lys)

Genes: TTN (titin; minus strand), TTN-AS1 (TTN antisense RNA 1; plus strand). Cytogenetic location: 2q31.2.
Variant type: single nucleotide variant.
Coding change: c.79717G>A on transcript NM_001267550.2 (MANE Select); coding-DNA position 79717, G replaced by A.
Protein change: p.Glu26573Lys; replaces glutamic acid 26573 with lysine.
Molecular consequence: missense variant.
Genome position (GRCh38, 1-based): chr2:178,566,415, C>T on the plus strand (G>A on the coding strand, the complement: TTN is on the minus strand). VCF-style: chr2-178566415-C-T. GRCh37 (hg19) VCF-style: chr2-179431142-C-T.
Other names: c.74794G>A, p.Glu24932Lys (NM_001256850.1); c.52522G>A, p.Glu17508Lys (NM_003319.4); c.72013G>A, p.Glu24005Lys (NM_133378.4); c.52897G>A, p.Glu17633Lys (NM_133432.3); c.53098G>A, p.Glu17700Lys (NM_133437.4); short protein forms E17508K, E17633K, E17700K, E24005K, E24932K, E26573K.
Identifiers: ClinVar variation 1331301 (VCV001331301.3), dbSNP rs1705879851, ClinGen allele CA349594228.

ClinVar aggregate classification (germline): Uncertain significance (1 of 4 stars; one submission).

Submission:

GeneDx
Classification: Uncertain significance. Last evaluated: 2025-06-04. Review status: criteria provided, single submitter. Criteria: GeneDx Variant Classification Process June 2021. Collection method: clinical testing. Allele origin: germline. Affected: yes.
Comment: Not observed at significant frequency in large population cohorts (gnomAD); Missense variant in a gene in which most reported pathogenic variants are truncating/loss-of-function; Has not been previously published as pathogenic or benign to our knowledge